The following is an entry in ClinVar:

ClinVar aggregate classification (germline): Pathogenic (1 of 4 stars; one submission).

Submission:

Labcorp Genetics (formerly Invitae), Labcorp
Classification: Pathogenic. Last evaluated: 2020-11-06. Review status: criteria provided, single submitter. Criteria: Invitae Variant Classification Sherloc (09022015). Collection method: clinical testing. Allele origin: germline.
Comment: For these reasons, this variant has been classified as Pathogenic. This sequence change creates a premature translational stop signal (p.Ser86Leufs*48) in the USH1G gene. It is expected to result in an absent or disrupted protein product. Loss-of-function variants in USH1G are known to be pathogenic (PMID: 12588794, 22219650). This variant is not present in population databases (ExAC no frequency). This variant has not been reported in the literature in individuals with USH1G-related conditions.

Literature cited by the submitters: PubMed 12588794; PubMed 22219650.

NM_173477.5(USH1G):c.255_256del (p.Ser86fs)

Gene: USH1G (USH1 protein network component sans; minus strand). Cytogenetic location: 17q25.1.
Variant type: Microsatellite.
Coding change: c.255_256del on transcript NM_173477.5 (MANE Select); coding-DNA positions 255 to 256, 2 bases deleted (GT; older notation c.255_256delGT).
Protein change: p.Ser86fs; shifts the reading frame from serine 86.
Molecular consequence: frameshift variant. On other transcripts: 5 prime UTR variant (1).
Genome position (GRCh38, 1-based): chr17:74,920,580-74,920,581, AC deleted on the plus strand (GT on the coding strand, the reverse complement: USH1G is on the minus strand); deleting any 2 consecutive bases within chr17:74,920,580-74,920,583 gives the same sequence; the c. name uses the placement nearest the transcript's 3' end. VCF-style (leftmost placement, unchanged base first): chr17-74920579-GAC-G. GRCh37 (hg19) VCF-style: chr17-72916674-GAC-G.
Other names: c.-57GT[1] (NM_001282489.3); short protein forms S86fs.
Identifiers: ClinVar variation 1353703 (VCV001353703.6), dbSNP rs2144755466, ClinGen allele CA2580613245.
Genomic context (GRCh38, chr17:74,920,579, plus strand): 5'-GCAGCCATGTCCAGCGGCGTGTGGTAGTCGTTGTCTAGGCACCAGATGTTGGCTCCGAAG[GAC>G]ACCAGGAAGGACAGGCAGTGCAAGTGGCCATTGGAAGCTGCCAGATGCAGGGGTGTGTTG-3'